The following is an entry in ClinVar:

NM_182920.2(ADAMTS9):c.352G>A (p.Gly118Arg)

Genes: ADAMTS9 (ADAM metallopeptidase with thrombospondin type 1 motif 9; minus strand), ADAMTS9-AS2 (ADAMTS9 antisense RNA 2; plus strand). Cytogenetic location: 3p14.1.
Variant type: single nucleotide variant.
Coding change: c.352G>A on transcript NM_182920.2 (MANE Select); coding-DNA position 352, G replaced by A.
Protein change: p.Gly118Arg; replaces glycine 118 with arginine.
Molecular consequence: missense variant.
Genome position (GRCh38, 1-based): chr3:64,686,732, C>T on the plus strand (G>A on the coding strand, the complement: ADAMTS9 is on the minus strand). VCF-style: chr3-64686732-C-T. GRCh37 (hg19) VCF-style: chr3-64672408-C-T.
Other names: c.352G>A, p.Gly118Arg (NM_001318781.2); c.352G>A (NM_182920.1); short protein forms G118R.
Identifiers: ClinVar variation 1904734 (VCV001904734.6), dbSNP rs374454706, ClinGen allele CA75799315.
Genomic context (GRCh38, chr3:64,686,732, plus strand): 5'-TGGTCTGATTCACCCCGGGCGTCCCGAGGAGGGTGACAGTGAACAGTGGAGCGATAAATC[C>T]GGCATTGGCGGTGAGATTAAATAGAAACTGCTGGCCGAAGGCAGAGAGGCGGTAATGCGC-3'
Protein context (NP_891550.1, residues 108-128): QFLFNLTANA[Gly118Arg]FIAPLFTVTL

ClinVar aggregate classification (germline): Uncertain significance. Review status: criteria provided, multiple submitters, no conflicts (2 of 4 stars). 2 submissions from 2 submitters: Uncertain significance (2). Last evaluated 2025-06-07.

Allele frequency attached by ClinVar (database versions not stated): gnomAD exomes 0.00001; TOPMed 0.00001; ESP Exome Variant Server 0.00008.
gnomAD v4.1: 13 of 1,614,206 alleles (0.00081%); highest among the groups gnomAD compares: East Asian, 0.0022%; no homozygotes.

Submissions (2):

Ambry Genetics
Classification: Uncertain significance. Last evaluated: 2025-06-07. Review status: criteria provided, single submitter. Criteria: Ambry Variant Classification Scheme 2023. Collection method: clinical testing. Allele origin: germline.

Labcorp Genetics (formerly Invitae), Labcorp
Classification: Uncertain significance. Last evaluated: 2024-12-16. Review status: criteria provided, single submitter. Criteria: Invitae Variant Classification Sherloc (09022015). Collection method: clinical testing. Allele origin: germline.
Comment: This sequence change replaces glycine, which is neutral and non-polar, with arginine, which is basic and polar, at codon 118 of the ADAMTS9 protein (p.Gly118Arg). This variant is present in population databases (rs374454706, gnomAD 0.006%). This variant has not been reported in the literature in individuals affected with ADAMTS9-related conditions. ClinVar contains an entry for this variant (Variation ID: 1904734). An algorithm developed to predict the effect of missense changes on protein structure and function (PolyPhen-2) suggests that this variant is likely to be disruptive. In summary, the available evidence is currently insufficient to determine the role of this variant in disease. Therefore, it has been classified as a Variant of Uncertain Significance.